The following is an entry in ClinVar:

NM_001378615.1(CC2D2A):c.2288A>C (p.Glu763Ala)

Genes: CC2D2A (coiled-coil and C2 domain containing 2A; plus strand), FBXL5 (F-box and leucine rich repeat protein 5; minus strand). Cytogenetic location: 4p15.32.
Variant type: single nucleotide variant.
Coding change: c.2288A>C on transcript NM_001378615.1 (MANE Select); coding-DNA position 2288, A replaced by C.
Protein change: p.Glu763Ala; replaces glutamic acid 763 with alanine.
Molecular consequence: missense variant.
Genome position (GRCh38, 1-based): chr4:15,550,930, A>C. VCF-style: chr4-15550930-A-C. GRCh37 (hg19) VCF-style: chr4-15552553-A-C.
Other names: c.2288A>C, p.Glu763Ala (NM_001080522.2); c.2141A>C, p.Glu714Ala (NM_001378617.1); short protein forms E714A, E763A.
Identifiers: ClinVar variation 1317051 (VCV001317051.6), dbSNP rs759466798, ClinGen allele CA2863879.
Genomic context (GRCh38, chr4:15,550,930, plus strand): 5'-TGTTTCTGCCTATTCCTGAGACTACTGTTGTCACTGGAAGGGCTCCTACTGAAGAAGTGG[A>C]GTTTAGCAGTAATCAGCATGTGACACTGGACCACGAGGGAGTTGGAAGTGGTATGGAAAG-3'
Protein context (NP_001365544.1, residues 753-773): VTGRAPTEEV[Glu763Ala]FSSNQHVTLD

ClinVar aggregate classification (germline): Conflicting classifications of pathogenicity. Review status: criteria provided, conflicting classifications (1 of 4 stars). 2 submissions from 2 submitters: Likely pathogenic (1); Uncertain significance (1). Last evaluated 2024-09-23.

Conditions:
Joubert syndrome. Also called: JOUBERT-BOLTSHAUSER SYNDROME; Familial aplasia of the vermis. Identifiers: Orphanet 475, MedGen C5979921, MONDO:0018772.
Meckel-Gruber syndrome. Also called: DYSENCEPHALIA SPLANCHNOCYSTICA; GRUBER SYNDROME; Dysencephalia splachnocystica. Identifiers: Orphanet 564, MedGen C0265215, MONDO:0018921.

Allele frequency attached by ClinVar (database versions not stated): ExAC 0.00001; gnomAD 0.00001; gnomAD exomes 0.00001; TOPMed 0.00003.
gnomAD v4.1: 9 of 1,608,134 alleles (0.00056%); highest among the groups gnomAD compares: Admixed American, 0.0067%; no homozygotes.

Submissions (2):

GeneDx
Classification: Likely pathogenic. Last evaluated: 2024-09-23. Review status: criteria provided, single submitter. Criteria: GeneDx Variant Classification Process June 2021. Collection method: clinical testing. Allele origin: germline. Affected: yes.
Comment: Not observed at significant frequency in large population cohorts (gnomAD); In silico analysis supports that this missense variant has a deleterious effect on protein structure/function; Has not been previously published as pathogenic or benign to our knowledge

Labcorp Genetics (formerly Invitae), Labcorp
Classification: Uncertain significance for Joubert syndrome; Meckel-Gruber syndrome. Last evaluated: 2022-07-19. Review status: criteria provided, single submitter. Criteria: Invitae Variant Classification Sherloc (09022015). Collection method: clinical testing. Allele origin: germline.
Comment: This sequence change replaces glutamic acid, which is acidic and polar, with alanine, which is neutral and non-polar, at codon 763 of the CC2D2A protein (p.Glu763Ala). This variant is present in population databases (rs759466798, gnomAD 0.003%). This variant has not been reported in the literature in individuals affected with CC2D2A-related conditions. ClinVar contains an entry for this variant (Variation ID: 1317051). Advanced modeling of protein sequence and biophysical properties (such as structural, functional, and spatial information, amino acid conservation, physicochemical variation, residue mobility, and thermodynamic stability) performed at Invitae indicates that this missense variant is expected to disrupt CC2D2A protein function. In summary, the available evidence is currently insufficient to determine the role of this variant in disease. Therefore, it has been classified as a Variant of Uncertain Significance.